The following is an entry in ClinVar:

NM_001128227.3(GNE):c.-27A>G

Gene: GNE (glucosamine (UDP-N-acetyl)-2-epimerase/N-acetylmannosamine kinase; minus strand). Cytogenetic location: 9p13.3.
Variant type: single nucleotide variant.
Coding change: c.-27A>G on transcript NM_001128227.3 (MANE Plus Clinical); 27 bases upstream of the start codon, A replaced by G.
Molecular consequence: 5 prime UTR variant.
Genome position (GRCh38, 1-based): chr9:36,276,971, T>C on the plus strand (A>G on the coding strand, the complement: GNE is on the minus strand). VCF-style: chr9-36276971-T-C. GRCh37 (hg19) VCF-style: chr9-36276968-T-C.
Other names: c.-91A>G (NM_001190388.2).
Identifiers: ClinVar variation 3035926 (VCV003035926.2), dbSNP rs368460591, ClinGen allele CA5056844.

ClinVar aggregate classification (germline): Likely benign (0 of 4 stars; one submission).

Conditions:
GNE-related disorder. Also called: GNE-related condition.

Allele frequency attached by ClinVar (database versions not stated): ExAC 0.00001; TOPMed 0.00020; gnomAD exomes 0.00004; ESP Exome Variant Server 0.00010; gnomAD 0.00021.
gnomAD v4.1: 100 of 1,613,126 alleles (0.0062%); highest among the groups gnomAD compares: Admixed American, 0.06%; 1 homozygote.

Submission:

PreventionGenetics, part of Exact Sciences
Classification: Likely benign for GNE-related condition. Last evaluated: 2021-10-10. Review status: no assertion criteria provided. Collection method: clinical testing. Allele origin: germline.
Comment: This variant is classified as likely benign based on ACMG/AMP sequence variant interpretation guidelines (Richards et al. 2015 PMID: 25741868, with internal and published modifications).